The following is an entry in ClinVar:

ClinVar aggregate classification (germline): Uncertain significance. Review status: criteria provided, multiple submitters, no conflicts (2 of 4 stars). 3 submissions from 3 submitters: Uncertain significance (3). Last evaluated 2025-06-02.

Conditions:
Hematuria, benign familial, 1 (BFH1). Also called: THIN MEMBRANE NEPHROPATHY. Identifiers: MedGen CN376803, MONDO:0007709, OMIM 141200.
Autosomal recessive Alport syndrome (ATS2). Also called: ALPORT SYNDROME 2, AUTOSOMAL RECESSIVE; Alport syndrome type 2; COL4A3-Related Nephropathy; COL4A4 Alport Syndrome and Thin Basement Membrane Nephropathy. Identifiers: Orphanet 63, Orphanet 88919, MedGen C4746745, MONDO:0008762, OMIM 203780.

Submissions (3):

GeneDx
Classification: Uncertain significance. Last evaluated: 2025-06-02. Review status: criteria provided, single submitter. Criteria: GeneDx Variant Classification Process June 2021. Collection method: clinical testing. Allele origin: germline. Affected: yes.
Comment: Not observed at significant frequency in large population cohorts (gnomAD); In silico analysis suggests that this missense variant does not alter protein structure/function; Occurs in the triple helical domain at the X position in the canonical Gly-X-Y repeat; although this variant may have an effect on normal protein folding and function, missense substitution at the X position is not a common mechanism of disease; Has not been previously published as pathogenic or benign to our knowledge

Fulgent Genetics
Classification: Uncertain significance for Hematuria, benign familial, 1; Autosomal recessive Alport syndrome. Last evaluated: 2024-06-17. Review status: criteria provided, single submitter. Criteria: ACMG Guidelines, 2015. Collection method: clinical testing. Allele origin: germline.

Labcorp Genetics (formerly Invitae), Labcorp
Classification: Uncertain significance. Last evaluated: 2023-12-23. Review status: criteria provided, single submitter. Criteria: Invitae Variant Classification Sherloc (09022015). Collection method: clinical testing. Allele origin: germline.
Comment: This sequence change replaces leucine, which is neutral and non-polar, with isoleucine, which is neutral and non-polar, at codon 415 of the COL4A4 protein (p.Leu415Ile). This variant is present in population databases (no rsID available, gnomAD 0.006%). This variant has not been reported in the literature in individuals affected with COL4A4-related conditions. ClinVar contains an entry for this variant (Variation ID: 2421757). Advanced modeling of protein sequence and biophysical properties (such as structural, functional, and spatial information, amino acid conservation, physicochemical variation, residue mobility, and thermodynamic stability) performed at Invitae indicates that this missense variant is not expected to disrupt COL4A4 protein function with a negative predictive value of 95%. In summary, the available evidence is currently insufficient to determine the role of this variant in disease. Therefore, it has been classified as a Variant of Uncertain Significance.

NM_000092.5(COL4A4):c.1243C>A (p.Leu415Ile)

Gene: COL4A4 (collagen type IV alpha 4 chain; minus strand). Cytogenetic location: 2q36.3.
Variant type: single nucleotide variant.
Coding change: c.1243C>A on transcript NM_000092.5 (MANE Select); coding-DNA position 1243, C replaced by A.
Protein change: p.Leu415Ile; replaces leucine 415 with isoleucine.
Molecular consequence: missense variant.
Genome position (GRCh38, 1-based): chr2:227,094,251, G>T on the plus strand (C>A on the coding strand, the complement: COL4A4 is on the minus strand). VCF-style: chr2-227094251-G-T. GRCh37 (hg19) VCF-style: chr2-227958967-G-T.
Other names: short protein forms L415I.
Identifiers: ClinVar variation 2421757 (VCV002421757.8), dbSNP rs1249738800, ClinGen allele CA350852758.